The following is an entry in ClinVar:

ClinVar aggregate classification (germline): Benign (0 of 4 stars; one submission).

Conditions:
DNAH17-related disorder. Also called: DNAH17-related condition.

Allele frequency attached by ClinVar (database versions not stated): ESP Exome Variant Server 0.00008; gnomAD 0.00094; 1000 Genomes Project 30x 0.00375; ExAC 0.00402; 1000 Genomes Project 0.00419.
gnomAD v4.1: 2,789 of 1,613,918 alleles (0.17%); highest among the groups gnomAD compares: South Asian, 2.8%; 61 homozygotes.

Submission:

PreventionGenetics, part of Exact Sciences
Classification: Benign for DNAH17-related condition. Last evaluated: 2019-04-03. Review status: no assertion criteria provided. Collection method: clinical testing. Allele origin: germline.
Comment: This variant is classified as benign based on ACMG/AMP sequence variant interpretation guidelines (Richards et al. 2015 PMID: 25741868, with internal and published modifications).

NM_173628.4(DNAH17):c.9951G>A (p.Thr3317=)

Gene: DNAH17 (dynein axonemal heavy chain 17; minus strand). Cytogenetic location: 17q25.3.
Variant type: single nucleotide variant.
Coding change: c.9951G>A on transcript NM_173628.4 (MANE Select); coding-DNA position 9951, G replaced by A.
Protein change: p.Thr3317=; no amino-acid change (threonine 3317 retained).
Molecular consequence: synonymous variant.
Genome position (GRCh38, 1-based): chr17:78,458,591, C>T on the plus strand (G>A on the coding strand, the complement: DNAH17 is on the minus strand). VCF-style: chr17-78458591-C-T. GRCh37 (hg19) VCF-style: chr17-76454673-C-T.
Identifiers: ClinVar variation 3037633 (VCV003037633.2), dbSNP rs368551814, ClinGen allele CA8801073.